The following is an entry in ClinVar:

NM_001319074.4(RAX2):c.439G>A (p.Gly147Arg)

Gene: RAX2 (retina and anterior neural fold homeobox 2; minus strand). Cytogenetic location: 19p13.3.
Variant type: single nucleotide variant.
Coding change: c.439G>A on transcript NM_001319074.4 (MANE Select); coding-DNA position 439, G replaced by A.
Protein change: p.Gly147Arg; replaces glycine 147 with arginine.
Molecular consequence: missense variant.
Genome position (GRCh38, 1-based): chr19:3,770,737, C>T on the plus strand (G>A on the coding strand, the complement: RAX2 is on the minus strand). VCF-style: chr19-3770737-C-T. GRCh37 (hg19) VCF-style: chr19-3770735-C-T.
Other names: c.439G>A, p.Gly147Arg (NM_032753.4); short protein forms G147R.
Identifiers: ClinVar variation 963088 (VCV000963088.9), dbSNP rs957818577, ClinGen allele CA304416654.

ClinVar aggregate classification (germline): Uncertain significance (1 of 4 stars; one submission).

Allele frequency attached by ClinVar (database versions not stated): gnomAD exomes 0.00002; gnomAD 0.00003; TOPMed 0.00003.
gnomAD v4.1: 21 of 1,533,820 alleles (0.0014%); highest among the groups gnomAD compares: African/African-American, 0.011%; no homozygotes.

Submission:

Labcorp Genetics (formerly Invitae), Labcorp
Classification: Uncertain significance. Last evaluated: 2024-10-12. Review status: criteria provided, single submitter. Criteria: Invitae Variant Classification Sherloc (09022015). Collection method: clinical testing. Allele origin: germline.
Comment: This sequence change replaces glycine, which is neutral and non-polar, with arginine, which is basic and polar, at codon 147 of the RAX2 protein (p.Gly147Arg). The frequency data for this variant in the population databases is considered unreliable, as metrics indicate poor data quality at this position in the gnomAD database. This variant has not been reported in the literature in individuals affected with RAX2-related conditions. ClinVar contains an entry for this variant (Variation ID: 963088). An algorithm developed to predict the effect of missense changes on protein structure and function outputs the following: PolyPhen-2: "Benign". The arginine amino acid residue is found in multiple mammalian species, which suggests that this missense change does not adversely affect protein function. In summary, the available evidence is currently insufficient to determine the role of this variant in disease. Therefore, it has been classified as a Variant of Uncertain Significance.